The following is an entry in ClinVar:

ClinVar aggregate classification (germline): Likely pathogenic (1 of 4 stars; one submission).

Conditions:
Hypogonadotropic hypogonadism 2 with or without anosmia (HH2). Also called: HYPOGONADOTROPIC HYPOGONADISM 2 WITHOUT ANOSMIA; HYPOGONADOTROPIC HYPOGONADISM 2 WITH OR WITHOUT ANOSMIA, SUSCEPTIBILITY TO; HYPOGONADOTROPIC HYPOGONADISM 2 WITHOUT ANOSMIA, SUSCEPTIBILITY TO; FGFR1-Related GnRH Deficiency (Kallmann Syndrome 2). Identifiers: Orphanet 478, MedGen C1563720, MONDO:0007844, OMIM 147950. Disease mechanism: loss of function.

Submission:

Department of Pediatrics, Asan Medical Center, University of Ulsan College of Medicine
Classification: Likely pathogenic for Hypogonadotropic hypogonadism 2 with or without anosmia. Last evaluated: 2026-07-19. Review status: criteria provided, single submitter. Criteria: ACMG Guidelines, 2015. Collection method: research. Allele origin: germline. Inheritance: Autosomal dominant inheritance. Affected: yes. Observed: 1 heterozygote.
Comment: ACMG/AMP evidence codes: PVS1, PM2_Supporting. In silico predictions: MutationTaster disease causing. Not found in gnomAD. Novel variant.

NM_023110.3(FGFR1):c.404_405del (p.Ser135fs)

Gene: FGFR1 (fibroblast growth factor receptor 1; minus strand). Cytogenetic location: 8p11.23.
Variant type: Microsatellite.
Coding change: c.404_405del on transcript NM_023110.3 (MANE Select); coding-DNA positions 404 to 405, 2 bases deleted (CT; older notation c.404_405delCT).
Protein change: p.Ser135fs; shifts the reading frame from serine 135.
Molecular consequence: frameshift variant.
Genome position (GRCh38, 1-based): chr8:38,428,389-38,428,390, AG deleted on the plus strand (CT on the coding strand, the reverse complement: FGFR1 is on the minus strand); deleting any 2 consecutive bases within chr8:38,428,389-38,428,392 gives the same sequence; the c. name uses the placement nearest the transcript's 3' end. VCF-style (leftmost placement, unchanged base first): chr8-38428388-AAG-A. GRCh37 (hg19) VCF-style: chr8-38285906-AAG-A.
Other names: c.137_138del, p.Ser46fs (NM_001354370.2, NM_023105.3, NM_023106.3 and 2 more transcripts); c.404_405del, p.Ser135fs (NM_001410922.1, NM_015850.4, NM_001174063.2 and 3 more transcripts); c.380_381del, p.Ser127fs (NM_001174064.2); c.503_504del, p.Ser168fs (NM_001174067.2); short protein forms S127fs, S135fs, S168fs, S46fs.
Identifiers: ClinVar variation 4879461 (VCV004879461.1).